The following is an entry in ClinVar:

NM_001382508.1(DROSHA):c.700C>T (p.Arg234Ter)

Gene: DROSHA (drosha ribonuclease III; minus strand). Cytogenetic location: 5p13.3.
Variant type: single nucleotide variant.
Coding change: c.700C>T on transcript NM_001382508.1 (MANE Select); coding-DNA position 700, C replaced by T.
Protein change: p.Arg234Ter; replaces arginine 234 with a stop codon.
Molecular consequence: nonsense.
Genome position (GRCh38, 1-based): chr5:31,526,233, G>A on the plus strand (C>T on the coding strand, the complement: DROSHA is on the minus strand). VCF-style: chr5-31526233-G-A. GRCh37 (hg19) VCF-style: chr5-31526340-G-A.
Other names: c.700C>T, p.Arg234Ter (NM_001100412.2, NM_013235.5); short protein forms R234*.
Identifiers: ClinVar variation 3356474 (VCV003356474.3).

ClinVar aggregate classification (germline): Uncertain significance. Review status: criteria provided, multiple submitters, no conflicts (2 of 4 stars). 3 submissions from 3 submitters: Uncertain significance (2). 1 of the submissions does not count toward it. Last evaluated 2026-02-21.

Conditions:
DROSHA-related disorder. Also called: DROSHA-related condition.
MicroRNA processor tumor predisposition syndrome.

gnomAD v4.1: 2 of 1,613,902 alleles (0.00012%); highest among the groups gnomAD compares: Non-Finnish European, 0.00017%; no homozygotes.

Submissions (3):

GeneDx
Classification: Uncertain significance. Last evaluated: 2026-02-21. Review status: criteria provided, single submitter. Criteria: GeneDx Variant Classification Process June 2021. Collection method: clinical testing. Allele origin: germline.
Comment: Not observed at significant frequency in large population cohorts (gnomAD); Nonsense variant predicted to result in protein truncation or nonsense mediated decay in a gene or region of a gene for which loss of function is not a well-established mechanism of disease; Has not been previously published as pathogenic or benign to our knowledge

Institute for Genomic Medicine (IGM) Clinical Laboratory, Nationwide Children's Hospital
Classification: Uncertain significance for MicroRNA processor tumor predisposition syndrome. Last evaluated: 2025-02-28. Review status: criteria provided, single submitter. Criteria: ACMG Guidelines, 2015. Collection method: clinical testing. Allele origin: germline.
Comment: This variant is absent from or present at an exceedingly low frequency in gnomAD, a large-scale control population database (ACMG/AMP: PM2).

PreventionGenetics, part of Exact Sciences
Classification: Uncertain significance for DROSHA-related condition. Last evaluated: 2024-07-31. Review status: no assertion criteria provided. Collection method: clinical testing. Allele origin: germline. Not counted in ClinVar's aggregate classification.
Comment: The DROSHA c.700C>T variant is predicted to result in premature protein termination (p.Arg234*). To our knowledge, this variant has not been reported in the literature or in a large population database, indicating this variant is rare. Loss of functions variants (such as this nonsense) in DROSHA have not been established as a mechanism of disease. Therefore, at this time, the clinical significance of this variant is uncertain due to the absence of conclusive functional and genetic evidence.